The following is an entry in ClinVar:

NM_012096.3(APPL1):c.1555G>A (p.Asp519Asn)

Gene: APPL1 (adaptor protein, phosphotyrosine interacting with PH domain and leucine zipper 1; plus strand). Cytogenetic location: 3p14.3.
Variant type: single nucleotide variant.
Coding change: c.1555G>A on transcript NM_012096.3 (MANE Select); coding-DNA position 1555, G replaced by A.
Protein change: p.Asp519Asn; replaces aspartic acid 519 with asparagine.
Molecular consequence: missense variant.
Genome position (GRCh38, 1-based): chr3:57,259,916, G>A. VCF-style: chr3-57259916-G-A. GRCh37 (hg19) VCF-style: chr3-57293944-G-A.
Other names: short protein forms D519N.
Identifiers: ClinVar variation 2909378 (VCV002909378.3), dbSNP rs781165009, ClinGen allele CA353298724.

ClinVar aggregate classification (germline): Uncertain significance (1 of 4 stars; one submission).

Submission:

Labcorp Genetics (formerly Invitae), Labcorp
Classification: Uncertain significance. Last evaluated: 2023-10-31. Review status: criteria provided, single submitter. Criteria: Invitae Variant Classification Sherloc (09022015). Collection method: clinical testing. Allele origin: germline.
Comment: This sequence change replaces aspartic acid, which is acidic and polar, with asparagine, which is neutral and polar, at codon 519 of the APPL1 protein (p.Asp519Asn). This variant is not present in population databases (gnomAD no frequency). This variant has not been reported in the literature in individuals affected with APPL1-related conditions. Advanced modeling of protein sequence and biophysical properties (such as structural, functional, and spatial information, amino acid conservation, physicochemical variation, residue mobility, and thermodynamic stability) performed at Invitae indicates that this missense variant is not expected to disrupt APPL1 protein function with a negative predictive value of 80%. In summary, the available evidence is currently insufficient to determine the role of this variant in disease. Therefore, it has been classified as a Variant of Uncertain Significance.